The following is an entry in ClinVar:

ClinVar aggregate classification (germline): Uncertain significance (1 of 4 stars; one submission).

Allele frequency attached by ClinVar (database versions not stated): TOPMed 0.00003; ExAC 0.00006; gnomAD 0.00008.
gnomAD v4.1: 101 of 1,600,396 alleles (0.0063%); highest among the groups gnomAD compares: Non-Finnish European, 0.0075%; no homozygotes.

Submission:

Labcorp Genetics (formerly Invitae), Labcorp
Classification: Uncertain significance. Last evaluated: 2024-07-16. Review status: criteria provided, single submitter. Criteria: Invitae Variant Classification Sherloc (09022015). Collection method: clinical testing. Allele origin: germline.
Comment: This sequence change replaces histidine, which is basic and polar, with asparagine, which is neutral and polar, at codon 152 of the TRRAP protein (p.His152Asn). This variant is present in population databases (rs782162262, gnomAD 0.009%). This variant has not been reported in the literature in individuals affected with TRRAP-related conditions. Advanced modeling of protein sequence and biophysical properties (such as structural, functional, and spatial information, amino acid conservation, physicochemical variation, residue mobility, and thermodynamic stability) performed at Invitae indicates that this missense variant is not expected to disrupt TRRAP protein function with a negative predictive value of 80%. Algorithms developed to predict the effect of sequence changes on RNA splicing suggest that this variant may disrupt the consensus splice site. In summary, the available evidence is currently insufficient to determine the role of this variant in disease. Therefore, it has been classified as a Variant of Uncertain Significance.

NM_001375524.1(TRRAP):c.454C>A (p.His152Asn)

Gene: TRRAP (transformation/transcription domain associated protein; plus strand). Cytogenetic location: 7q22.1.
Variant type: single nucleotide variant.
Coding change: c.454C>A on transcript NM_001375524.1 (MANE Select); coding-DNA position 454, C replaced by A.
Protein change: p.His152Asn; replaces histidine 152 with asparagine.
Molecular consequence: missense variant.
Genome position (GRCh38, 1-based): chr7:98,895,767, C>A. VCF-style: chr7-98895767-C-A. GRCh37 (hg19) VCF-style: chr7-98493390-C-A.
Other names: c.454C>A, p.His152Asn (NM_001244580.2, NM_003496.4); short protein forms H152N.
Identifiers: ClinVar variation 2882636 (VCV002882636.3), dbSNP rs782162262, ClinGen allele CA4359253.
Genomic context (GRCh38, chr7:98,895,767, plus strand): 5'-ATGGGTATTTTCTGTTTATGAATATCTTCCTATAACGAAAGTGTCTGCTTTTTTTAGATT[C>A]ATCATTTTCTGGATTTTGTGAAACAGATTTACAAGGAGCTTCCAAAAGTAGTGGTATGTT-3'
Protein context (NP_001362453.1, residues 142-162): QFRPPITQEI[His152Asn]HFLDFVKQIY